The following is an entry in ClinVar:

NM_032801.5(JAM3):c.1A>G (p.Met1Val)

Gene: JAM3 (junctional adhesion molecule 3; plus strand). Cytogenetic location: 11q25.
Variant type: single nucleotide variant.
Coding change: c.1A>G on transcript NM_032801.5 (MANE Select); coding-DNA position 1, A replaced by G.
Protein change: p.Met1Val; changes the start codon (methionine 1).
Molecular consequence: missense variant, initiator codon variant.
Genome position (GRCh38, 1-based): chr11:134,069,084, A>G. VCF-style: chr11-134069084-A-G. GRCh37 (hg19) VCF-style: chr11-133938979-A-G.
Other names: c.1A>G, p.Met1Val (NM_001205329.2); short protein forms M1V.
Identifiers: ClinVar variation 827781 (VCV000827781.3), dbSNP rs774867496, ClinGen allele CA383663905.

ClinVar aggregate classification (germline): Pathogenic (1 of 4 stars; one submission).

Conditions:
Porencephaly-microcephaly-bilateral congenital cataract syndrome. Identifiers: Orphanet 306547, MedGen C3151000, MONDO:0013394, OMIM 613730.

Allele frequency attached by ClinVar (database versions not stated): gnomAD 0.00002; TOPMed 0.00003.

Submission:

Equipe Genetique des Anomalies du Developpement, Université de Bourgogne
Classification: Pathogenic for Porencephaly-microcephaly-bilateral congenital cataract syndrome. Last evaluated: 2019-06-06. Review status: criteria provided, single submitter. Criteria: ACMG Guidelines, 2015. Collection method: clinical testing. Allele origin: inherited. Affected: yes. Observed: 4 variant alleles.
Comment: homozygous variant